The following is an entry in ClinVar:

ClinVar aggregate classification (germline): Uncertain significance (1 of 4 stars; one submission).

Conditions:
Aicardi-Goutieres syndrome 5. Identifiers: Orphanet 51, MedGen C2749659, MONDO:0013059, OMIM 612952.

gnomAD v4.1: 3 of 1,613,184 alleles (0.00019%); highest among the groups gnomAD compares: African/African-American, 0.0027%; no homozygotes.

Submission:

Labcorp Genetics (formerly Invitae), Labcorp
Classification: Uncertain significance for Aicardi-Goutieres syndrome 5. Last evaluated: 2022-01-04. Review status: criteria provided, single submitter. Criteria: Invitae Variant Classification Sherloc (09022015). Collection method: clinical testing. Allele origin: germline.
Comment: This sequence change replaces arginine, which is basic and polar, with serine, which is neutral and polar, at codon 531 of the SAMHD1 protein (p.Arg531Ser). This variant is not present in population databases (gnomAD no frequency). This variant has not been reported in the literature in individuals affected with SAMHD1-related conditions. Algorithms developed to predict the effect of missense changes on protein structure and function (SIFT, PolyPhen-2, Align-GVGD) all suggest that this variant is likely to be tolerated. In summary, the available evidence is currently insufficient to determine the role of this variant in disease. Therefore, it has been classified as a Variant of Uncertain Significance.

NM_015474.4(SAMHD1):c.1593G>T (p.Arg531Ser)

Gene: SAMHD1 (SAM and HD domain containing deoxynucleoside triphosphate triphosphohydrolase 1; minus strand). Cytogenetic location: 20q11.23.
Variant type: single nucleotide variant.
Coding change: c.1593G>T on transcript NM_015474.4 (MANE Select); coding-DNA position 1593, G replaced by T.
Protein change: p.Arg531Ser; replaces arginine 531 with serine.
Molecular consequence: missense variant. On other transcripts: intron variant (1).
Genome position (GRCh38, 1-based): chr20:36,898,455, C>A on the plus strand (G>T on the coding strand, the complement: SAMHD1 is on the minus strand). VCF-style: chr20-36898455-C-A. GRCh37 (hg19) VCF-style: chr20-35526858-C-A.
Other names: c.1593G>T, p.Arg531Ser (NM_001363733.2); c.1504-496G>T (NM_001363729.2); short protein forms R531S.
Identifiers: ClinVar variation 1954258 (VCV001954258.2), dbSNP rs145735112, ClinGen allele CA408840085.